The following is an entry in ClinVar:

NM_013432.5(TONSL):c.2077CCT[1] (p.Pro694del)

Genes: TONSL (tonsoku like, DNA repair protein; minus strand), TONSL-AS1 (TONSL antisense RNA 1; plus strand). Cytogenetic location: 8q24.3.
Variant type: Microsatellite.
Coding change: c.2077CCT[1] on transcript NM_013432.5 (MANE Select); one copy of the 3-base unit CCT starting at c.2077; the reference has two copies in a row; one copy, 3 bases deleted.
Protein change: p.Pro694del; deletes proline 694.
Molecular consequence: inframe deletion.
Genome position (GRCh38, 1-based): chr8:144,436,351-144,436,353, AGG deleted on the plus strand (CCT on the coding strand, the reverse complement: TONSL is on the minus strand); deleting any 3 consecutive bases within chr8:144,436,351-144,436,358 gives the same sequence; the position shown is the placement nearest the transcript's 3' end. VCF-style (leftmost placement, unchanged base first): chr8-144436350-AAGG-A. GRCh37 (hg19) VCF-style: chr8-145661733-AAGG-A.
Other names: short protein forms P694del.
Identifiers: ClinVar variation 1357585 (VCV001357585.6), dbSNP rs1246240558, ClinGen allele CA586163536.

ClinVar aggregate classification (germline): Uncertain significance (1 of 4 stars; one submission).

Submission:

Labcorp Genetics (formerly Invitae), Labcorp
Classification: Uncertain significance. Last evaluated: 2021-06-12. Review status: criteria provided, single submitter. Criteria: Invitae Variant Classification Sherloc (09022015). Collection method: clinical testing. Allele origin: germline.
Comment: In summary, the available evidence is currently insufficient to determine the role of this variant in disease. Therefore, it has been classified as a Variant of Uncertain Significance. Experimental studies and prediction algorithms are not available or were not evaluated, and the functional significance of this variant is currently unknown. This variant has not been reported in the literature in individuals with TONSL-related conditions. This variant is not present in population databases (ExAC no frequency). This variant, c.2080_2082del, results in the deletion of 1 amino acid(s) of the TONSL protein (p.Pro694del), but otherwise preserves the integrity of the reading frame.